The following is an entry in ClinVar:

NM_030912.3(TRIM8):c.1484G>A (p.Trp495Ter)

Gene: TRIM8 (tripartite motif containing 8; plus strand). Cytogenetic location: 10q24.32.
Variant type: single nucleotide variant.
Coding change: c.1484G>A on transcript NM_030912.3 (MANE Select); coding-DNA position 1484, G replaced by A.
Protein change: p.Trp495Ter; replaces tryptophan 495 with a stop codon.
Molecular consequence: nonsense. On other transcripts: non-coding transcript variant (1).
Genome position (GRCh38, 1-based): chr10:102,657,182, G>A. VCF-style: chr10-102657182-G-A. GRCh37 (hg19) VCF-style: chr10-104416939-G-A.
Other names: c.1388G>A, p.Trp463Ter (NM_001345950.1); short protein forms W463*, W495*.
Identifiers: ClinVar variation 4850216 (VCV004850216.1).

ClinVar aggregate classification (germline): Pathogenic (1 of 4 stars; one submission).

Conditions:
Focal segmental glomerulosclerosis and neurodevelopmental syndrome. Identifiers: MedGen C5561938, MONDO:0100111, OMIM 619428.

Submission:

Variantyx, Inc.
Classification: Pathogenic for Focal segmental glomerulosclerosis and neurodevelopmental syndrome. Last evaluated: 2025-03-06. Review status: criteria provided, single submitter. Criteria: Variantyx Assertion Criteria 2022. Collection method: clinical testing. Allele origin: de novo. Inheritance: Autosomal dominant inheritance. Affected: yes.
Comment: This is a nonsense variant in theTRIM8 gene (OMIM: 606125). Pathogenic variants in this gene have been associated with autosomal dominant focal segmental glomerulosclerosis and neurodevelopmental syndrome. The alteration introduces a premature termination codon in exon 6 out of 6. It is not expected to result in nonsense-mediated mRNA decay and a truncated protein may be produced (PM4). To date, all reported TRIM8 variants identified in individuals with focal segmental glomerulosclerosis and neurodevelopmental syndrome have been de novo nonsense or frameshift variants in exon 6 (PMID: 38674071)(PM1).This variant is absent from control populations (PM2). This variant has been reported in the heterozygous state in at least one affected individual (PMID: 37061734). Based on the current evidence, this variant is classified as pathogenic for autosomal dominant focal segmental glomerulosclerosis and neurodevelopmental syndrome.

Literature cited by the submitters: PubMed 37061734; PubMed 33508234.